The following is an entry in ClinVar:

ClinVar aggregate classification (germline): Uncertain significance (1 of 4 stars; one submission).

Conditions:
Early-infantile DEE. Also called: Ohtahara syndrome; Early infantile epileptic encephalopathy; Early infantile epileptic encephalopathy with suppression bursts. Identifiers: Orphanet 1934, MedGen C0393706, MONDO:0800491.

Submission:

Labcorp Genetics (formerly Invitae), Labcorp
Classification: Uncertain significance for Early-infantile DEE. Last evaluated: 2022-07-19. Review status: criteria provided, single submitter. Criteria: Invitae Variant Classification Sherloc (09022015). Collection method: clinical testing. Allele origin: germline.
Comment: In summary, the available evidence is currently insufficient to determine the role of this variant in disease. Therefore, it has been classified as a Variant of Uncertain Significance. Algorithms developed to predict the effect of missense changes on protein structure and function (SIFT, PolyPhen-2, Align-GVGD) all suggest that this variant is likely to be tolerated. ClinVar contains an entry for this variant (Variation ID: 1487200). This variant has not been reported in the literature in individuals affected with SLC25A22-related conditions. This variant is not present in population databases (gnomAD no frequency). This sequence change replaces proline, which is neutral and non-polar, with serine, which is neutral and polar, at codon 166 of the SLC25A22 protein (p.Pro166Ser).

NM_001191061.2(SLC25A22):c.496C>T (p.Pro166Ser)

Gene: SLC25A22 (solute carrier family 25 member 22; minus strand). Cytogenetic location: 11p15.5.
Variant type: single nucleotide variant.
Coding change: c.496C>T on transcript NM_001191061.2 (MANE Select); coding-DNA position 496, C replaced by T.
Protein change: p.Pro166Ser; replaces proline 166 with serine.
Molecular consequence: missense variant.
Genome position (GRCh38, 1-based): chr11:792,644, G>A on the plus strand (C>T on the coding strand, the complement: SLC25A22 is on the minus strand). VCF-style: chr11-792644-G-A. GRCh37 (hg19) VCF-style: chr11-792644-G-A.
Other names: c.496C>T, p.Pro166Ser (NM_001191060.2, NM_024698.6); short protein forms P166S.
Identifiers: ClinVar variation 1487200 (VCV001487200.9), dbSNP rs11549717, ClinGen allele CA216993666.